The following is an entry in ClinVar:

NM_001042492.3(NF1):c.3859T>G (p.Phe1287Val)

Gene: NF1 (neurofibromin 1; plus strand). Cytogenetic location: 17q11.2.
Variant type: single nucleotide variant.
Coding change: c.3859T>G on transcript NM_001042492.3 (MANE Select); coding-DNA position 3859, T replaced by G.
Protein change: p.Phe1287Val; replaces phenylalanine 1287 with valine.
Molecular consequence: missense variant.
Genome position (GRCh38, 1-based): chr17:31,235,761, T>G. VCF-style: chr17-31235761-T-G. GRCh37 (hg19) VCF-style: chr17-29562779-T-G.
Other names: c.3859T>G, p.Phe1287Val (NM_000267.4); short protein forms F1287V.
Identifiers: ClinVar variation 1037602 (VCV001037602.6), dbSNP rs1434858786, ClinGen allele CA398992887.
Genomic context (GRCh38, chr17:31,235,761, plus strand): 5'-TTGGCAGACTCCATGCAGACTCTCTTCCGAGGCAACAGCTTGGCCAGTAAAATAATGACA[T>G]TCTGTTTCAAGGTTTGTATCATTCATTTTGTGTGTATGTGTGTGCTGAGGTATGTCAAGT-3'
Protein context (NP_001035957.1, residues 1277-1297): GNSLASKIMT[Phe1287Val]CFKVYGATYL

ClinVar aggregate classification (germline): Uncertain significance. Review status: criteria provided, multiple submitters, no conflicts (2 of 4 stars). 2 submissions from 2 submitters: Uncertain significance (2). Last evaluated 2024-12-21.

Conditions:
Neurofibromatosis, type 1 (NF1). Also called: NEUROFIBROMATOSIS, TYPE I, SOMATIC; VON RECKLINGHAUSEN DISEASE; Peripheral type neurofibromatosis; Neurofibromatosis, type I. Identifiers: Orphanet 636, MedGen C0027831, MONDO:0018975, OMIM 162200. Disease mechanism: loss of function.

Submissions (2):

GeneDx
Classification: Uncertain significance. Last evaluated: 2024-12-21. Review status: criteria provided, single submitter. Criteria: GeneDx Variant Classification Process June 2021. Collection method: clinical testing. Allele origin: germline. Affected: yes.
Comment: Not observed at significant frequency in large population cohorts (gnomAD); In silico analysis supports that this missense variant has a deleterious effect on protein structure/function; Has not been previously published as pathogenic or benign to our knowledge

Labcorp Genetics (formerly Invitae), Labcorp
Classification: Uncertain significance for Neurofibromatosis, type 1. Last evaluated: 2020-04-17. Review status: criteria provided, single submitter. Criteria: Invitae Variant Classification Sherloc (09022015). Collection method: clinical testing. Allele origin: germline.
Comment: This sequence change replaces phenylalanine with valine at codon 1287 of the NF1 protein (p.Phe1287Val). The phenylalanine residue is moderately conserved and there is a small physicochemical difference between phenylalanine and valine. This variant is not present in population databases (ExAC no frequency). This variant has not been reported in the literature in individuals with NF1-related conditions. Algorithms developed to predict the effect of missense changes on protein structure and function are either unavailable or do not agree on the potential impact of this missense change (SIFT: "Tolerated"; PolyPhen-2: "Possibly Damaging"; Align-GVGD: "Class C0"). In summary, the available evidence is currently insufficient to determine the role of this variant in disease. Therefore, it has been classified as a Variant of Uncertain Significance.